The following is an entry in ClinVar:

NM_000489.6(ATRX):c.189G>A (p.Glu63=)

Gene: ATRX (ATRX chromatin remodeler; minus strand). Cytogenetic location: Xq21.1.
Variant type: single nucleotide variant.
Coding change: c.189G>A on transcript NM_000489.6 (MANE Select); coding-DNA position 189, G replaced by A.
Protein change: p.Glu63=; no amino-acid change (glutamic acid 63 retained).
Molecular consequence: synonymous variant.
Genome position (GRCh38, 1-based): chrX:77,698,574, C>T on the plus strand (G>A on the coding strand, the complement: ATRX is on the minus strand). VCF-style: chrX-77698574-C-T. GRCh37 (hg19) VCF-style: chrX-76954062-C-T.
Other names: c.189G>A (NM_000489.3); c.189G>A, p.Glu63= (NM_138270.5).
Identifiers: ClinVar variation 133644 (VCV000133644.16), dbSNP rs587778082, ClinGen allele CA157213.
Genomic context (GRCh38, chrX:77,698,574, plus strand): 5'-AGACATATGCTCTACTTGGTTAATCGTAACTAACAAATATCTCTAAATAATTATCCTTAC[C>T]TCTTCCTTGCTGTTTTCCATCATATCAGAGTTACTTCCAGAACCACTGATTTTATCTAAA-3'
Protein context (NP_000480.3, residues 53-73): NSDMMENSKE[Glu63=]GTSSSEKSKS

ClinVar aggregate classification (germline): Conflicting classifications of pathogenicity. Review status: criteria provided, conflicting classifications (1 of 4 stars). 5 submissions from 5 submitters: Uncertain significance (1); Likely benign (1). 3 of the submissions do not count toward it. Last evaluated 2025-01-27.

Conditions:
Inborn genetic diseases. Identifiers: MedGen C0950123, MeSH D030342.
ATRX-related disorder. Also called: ATRX-related condition.
Alpha thalassemia-X-linked intellectual disability syndrome (ATRX). Also called: X-linked alpha-thalassemia-mental retardation syndrome; ALPHA-THALASSEMIA/MENTAL RETARDATION SYNDROME, X-LINKED; ATR, NONDELETION TYPE; ATR-X syndrome; Alpha thalassemia mental retardation syndrome, nondeletion type, X-linked; XLMR hypotonic face syndrome. Identifiers: Orphanet 847, MedGen C1845055, MONDO:0010519, OMIM 301040.

Allele frequency attached by ClinVar (database versions not stated): gnomAD exomes 0.00003 and 0.00012; ExAC 0.00004; gnomAD 0.00005 and 0.00006; TOPMed 0.00005.
gnomAD v4.1: 131 of 1,200,708 alleles (0.011%); highest among the groups gnomAD compares: Non-Finnish European, 0.014%; no homozygotes.

Submissions (6):

Labcorp Genetics (formerly Invitae), Labcorp
Classification: Uncertain significance for Alpha thalassemia-X-linked intellectual disability syndrome. Last evaluated: 2025-01-27. Review status: criteria provided, single submitter. Criteria: Invitae Variant Classification Sherloc (09022015). Collection method: clinical testing. Allele origin: germline.
Comment: This sequence change affects codon 63 of the ATRX mRNA. It is a 'silent' change, meaning that it does not change the encoded amino acid sequence of the ATRX protein. This variant also falls at the last nucleotide of exon 3, which is part of the consensus splice site for this exon. This variant is present in population databases (rs587778082, gnomAD 0.004%), including at least one homozygous and/or hemizygous individual. This variant has not been reported in the literature in individuals affected with ATRX-related conditions. ClinVar contains an entry for this variant (Variation ID: 133644). Variants that disrupt the consensus splice site are a relatively common cause of aberrant splicing (PMID: 17576681, 9536098). Algorithms developed to predict the effect of sequence changes on RNA splicing suggest that this variant is not likely to affect RNA splicing. In summary, the available evidence is currently insufficient to determine the role of this variant in disease. Therefore, it has been classified as a Variant of Uncertain Significance.

Ambry Genetics
Classification: Likely benign for Inborn genetic diseases. Last evaluated: 2017-10-11. Review status: criteria provided, single submitter. Criteria: Ambry Variant Classification Scheme 2023. Collection method: clinical testing. Allele origin: germline.

PreventionGenetics, part of Exact Sciences
Classification: Likely benign for ATRX-related condition. Last evaluated: 2022-08-01. Review status: no assertion criteria provided. Collection method: clinical testing. Allele origin: germline. Not counted in ClinVar's aggregate classification.
Comment: This variant is classified as likely benign based on ACMG/AMP sequence variant interpretation guidelines (Richards et al. 2015 PMID: 25741868, with internal and published modifications).

Natera, Inc.
Classification: Uncertain significance for X-linked alpha-thalassemia-mental retardation syndrome. Last evaluated: 2019-10-28. Review status: no assertion criteria provided. Collection method: clinical testing. Allele origin: germline. Not counted in ClinVar's aggregate classification.

ITMI
No classification provided. Condition: AllHighlyPenetrant. Last evaluated: 2013-09-19. Review status: no classification provided. Collection method: reference population. Allele origin: germline. Not counted in ClinVar's aggregate classification.
Comment: Please see associated publication for description of ethnicities

Dr. Peter K. Rogan Lab, Western University
No classification provided (evidence only). Condition: Chronic lymphocytic leukemia/small lymphocytic lymphoma. Review status: no classification provided. Collection method: in vitro. Allele origin: not applicable. Functional consequence: retained intron. Not counted in ClinVar's aggregate classification.

Literature cited by the submitters: PubMed 17576681 (cited by Labcorp Genetics (formerly Invitae), Labcorp); PubMed 9536098 (cited by Labcorp Genetics (formerly Invitae), Labcorp); PubMed 24728327 (cited by ITMI).